The following is an entry in ClinVar:

ClinVar aggregate classification (germline): Pathogenic/Likely pathogenic. Review status: criteria provided, multiple submitters, no conflicts (2 of 4 stars). 4 submissions from 4 submitters: Pathogenic (2); Likely pathogenic (2). Last evaluated 2025-08-26.

Conditions:
SLC12A3-related disorder. Also called: SLC12A3-related condition.
Familial hypokalemia-hypomagnesemia (GTLMNS). Also called: HYPOMAGNESEMIA-HYPOKALEMIA, PRIMARY RENOTUBULAR, WITH HYPOCALCIURIA; POTASSIUM AND MAGNESIUM DEPLETION; gitelman syndrome. Identifiers: Orphanet 358, MedGen C0268450, MONDO:0009904, OMIM 263800.

Allele frequency attached by ClinVar (database versions not stated): gnomAD exomes below 0.00001; TOPMed 0.00002.

Submissions (4):

Natera, Inc.
Classification: Likely pathogenic for Gitelman syndrome. Last evaluated: 2025-08-26. Review status: criteria provided, single submitter. Criteria: Natera Variant Classification Schema (03/2026). Collection method: clinical testing. Allele origin: germline.
Comment: The c.329delG variant in SLC12A3 is a frameshift variant predicted to shift the reading frame beginning at codon 110 and leads to a stop codon 4 codons downstream. This variant is expected to result in nonsense mediated decay, truncation, or a dysfunctional protein product. This variant is rare in the general population with a frequency below the threshold expected for the associated phenotype(s). Given the available evidence, this variant is classified as Likely Pathogenic.

Labcorp Genetics (formerly Invitae), Labcorp
Classification: Pathogenic. Last evaluated: 2024-02-01. Review status: criteria provided, single submitter. Criteria: Invitae Variant Classification Sherloc (09022015). Collection method: clinical testing. Allele origin: germline.
Comment: This sequence change creates a premature translational stop signal (p.Ser110Thrfs*4) in the SLC12A3 gene. It is expected to result in an absent or disrupted protein product. Loss-of-function variants in SLC12A3 are known to be pathogenic (PMID: 20848653, 22009145, 25841442). This variant is not present in population databases (gnomAD no frequency). This variant has not been reported in the literature in individuals affected with SLC12A3-related conditions. ClinVar contains an entry for this variant (Variation ID: 1323600). Algorithms developed to predict the effect of sequence changes on RNA splicing suggest that this variant may disrupt the consensus splice site. For these reasons, this variant has been classified as Pathogenic.

Revvity Omics, Revvity
Classification: Pathogenic for Familial hypokalemia-hypomagnesemia. Last evaluated: 2020-07-27. Review status: criteria provided, single submitter. Criteria: ACMG Guidelines, 2015. Collection method: clinical testing. Allele origin: germline.

Blueprint Genetics
Classification: Likely pathogenic for SLC12A3-related disorders. Last evaluated: 2019-08-02. Review status: criteria provided, single submitter. Criteria: ACMG Guidelines, 2015. Collection method: clinical testing. Allele origin: germline. Affected: yes. Observed: 1 variant allele.

Literature cited by the submitters: PubMed 20848653 (cited by Labcorp Genetics (formerly Invitae), Labcorp); PubMed 22009145 (cited by Labcorp Genetics (formerly Invitae), Labcorp); PubMed 25841442 (cited by Labcorp Genetics (formerly Invitae), Labcorp).

NM_001126108.2(SLC12A3):c.329del (p.Ser110fs)

Gene: SLC12A3 (solute carrier family 12 member 3; plus strand). Cytogenetic location: 16q13.
Variant type: Deletion.
Coding change: c.329del on transcript NM_001126108.2 (MANE Select); coding-DNA position 329, one base deleted (G; older notation c.329delG).
Protein change: p.Ser110fs; shifts the reading frame from serine 110.
Molecular consequence: frameshift variant.
Genome position (GRCh38, 1-based): chr16:56,867,116, G deleted. VCF-style (leftmost placement, unchanged base first): chr16-56867115-AG-A. GRCh37 (hg19) VCF-style: chr16-56901027-AG-A.
Other names: c.329del, p.Ser110fs (NM_000339.3); c.326del, p.Ser109fs (NM_001126107.2); c.329delG (NM_000339.2); short protein forms S109fs, S110fs.
Identifiers: ClinVar variation 1323600 (VCV001323600.11), dbSNP rs1294865855, ClinGen allele CA722002732.